The following is an entry in ClinVar:

ClinVar aggregate classification (germline): Uncertain significance. Review status: criteria provided, multiple submitters, no conflicts (2 of 4 stars). 3 submissions from 3 submitters: Uncertain significance (2). 1 of the submissions does not count toward it. Last evaluated 2025-07-08.

Conditions:
Autosomal dominant Parkinson disease 8. Also called: LRRK2-Related Parkinson Disease; Parkinson disease 8; Parkinson disease 8, susceptibility to. Identifiers: Orphanet 411602, MedGen C1846862, MONDO:0011764, OMIM 607060.

Allele frequency attached by ClinVar (database versions not stated): gnomAD exomes 0.00001.
gnomAD v4.1: 9 of 1,613,012 alleles (0.00056%); highest among the groups gnomAD compares: Non-Finnish European, 0.00068%; no homozygotes.

Submissions (3):

Labcorp Genetics (formerly Invitae), Labcorp
Classification: Uncertain significance for Autosomal dominant Parkinson disease 8. Last evaluated: 2025-07-08. Review status: criteria provided, single submitter. Criteria: Invitae Variant Classification Sherloc (09022015). Collection method: clinical testing. Allele origin: germline.
Comment: This sequence change replaces lysine, which is basic and polar, with glutamic acid, which is acidic and polar, at codon 1468 of the LRRK2 protein (p.Lys1468Glu). This variant is not present in population databases (gnomAD no frequency). This missense change has been observed in individual(s) with LRRK2-related conditions (PMID: 18197194, 26213354). ClinVar contains an entry for this variant (Variation ID: 39189). Invitae Evidence Modeling of protein sequence and biophysical properties (such as structural, functional, and spatial information, amino acid conservation, physicochemical variation, residue mobility, and thermodynamic stability) has been performed for this missense variant. However, the output from this modeling did not meet the statistical confidence thresholds required to predict the impact of this variant on LRRK2 protein function. Experimental studies have shown that this missense change affects LRRK2 function (PMID: 35950872). In summary, the available evidence is currently insufficient to determine the role of this variant in disease. Therefore, it has been classified as a Variant of Uncertain Significance.

GeneDx
Classification: Uncertain significance. Last evaluated: 2022-01-19. Review status: criteria provided, single submitter. Criteria: GeneDx Variant Classification Process June 2021. Collection method: clinical testing. Allele origin: germline. Affected: yes.
Comment: Observed in patients with Parkinson's disease in published literature (Nuytemans K et al., 2008; Trinh J et al., 2015); Not observed at significant frequency in large population cohorts (gnomAD); In silico analysis supports that this missense variant does not alter protein structure/function; This variant is associated with the following publications: (PMID: 21885347, 26213354, 19472409, 28353276, 18973807, 24488318, 18197194)

GeneReviews
No classification provided. Condition: Autosomal dominant Parkinson disease 8. Review status: no classification provided. Collection method: literature only. Allele origin: unknown. Not counted in ClinVar's aggregate classification.

Literature cited by the submitters: PubMed 18197194 (cited by Labcorp Genetics (formerly Invitae), Labcorp); PubMed 26213354 (cited by Labcorp Genetics (formerly Invitae), Labcorp); PubMed 35950872 (cited by Labcorp Genetics (formerly Invitae), Labcorp); PubMed 20301387 (cited by GeneReviews); NCBI Bookshelf NBK1208 (cited by GeneReviews).

NM_198578.4(LRRK2):c.4402A>G (p.Lys1468Glu)

Gene: LRRK2 (leucine rich repeat kinase 2; plus strand). Cytogenetic location: 12q12.
Variant type: single nucleotide variant.
Coding change: c.4402A>G on transcript NM_198578.4 (MANE Select); coding-DNA position 4402, A replaced by G.
Protein change: p.Lys1468Glu; replaces lysine 1468 with glutamic acid.
Molecular consequence: missense variant.
Genome position (GRCh38, 1-based): chr12:40,310,515, A>G. VCF-style: chr12-40310515-A-G. GRCh37 (hg19) VCF-style: chr12-40704317-A-G.
Other names: short protein forms K1468E.
Identifiers: ClinVar variation 39189 (VCV000039189.6), dbSNP rs281865050, ClinGen allele CA343588.
Genomic context (GRCh38, chr12:40,310,515, plus strand): 5'-ATTCTCGTTGGCACACATTTGGATGTTTCTGATGAGAAGCAACGCAAAGCCTGCATGAGT[A>G]AAATCACCAAGGAACTCCTGAATAAGCGAGGGTTCCCTGCCATACGAGATTACCACTTTG-3'
Protein context (NP_940980.4, residues 1458-1478): DEKQRKACMS[Lys1468Glu]ITKELLNKRG